The following is an entry in ClinVar:

ClinVar aggregate classification (germline): Pathogenic (1 of 4 stars; one submission).

Conditions:
Fanconi anemia (FA). Also called: Fanconi's anemia. Identifiers: Orphanet 84, MedGen C0015625, MeSH D005199, MONDO:0019391.

Submission:

Labcorp Genetics (formerly Invitae), Labcorp
Classification: Pathogenic for Fanconi anemia. Last evaluated: 2022-10-17. Review status: criteria provided, single submitter. Criteria: Invitae Variant Classification Sherloc (09022015). Collection method: clinical testing. Allele origin: germline.
Comment: This variant is a gross deletion of the genomic region encompassing exon(s) 12-31 of the FANCA gene. This deletion is out-of-frame, and is expected to create a premature termination codon and result in an absent or disrupted protein product. Loss-of-function variants in FANCA are known to be pathogenic (PMID: 19367192). A similar copy number variant has been observed in individuals with Fanconi anemia (FA) (PMID: 10521298, 11344308). It is commonly reported in individuals of Afrikaner ancestry (PMID: 11344308). For these reasons, this variant has been classified as Pathogenic.

Literature cited by the submitters: PubMed 19367192; PubMed 10521298; PubMed 11344308.

NC_000016.10:g.(?_89752128)_(89792557_?)del

Genes: FANCA (FA complementation group A; minus strand), LOC130059837 (ATAC-STARR-seq lymphoblastoid active region 11420; plus strand), LOC130059838 (ATAC-STARR-seq lymphoblastoid active region 11421; plus strand). Cytogenetic location: 16q24.3.
Variant type: Deletion.
Identifiers: ClinVar variation 660690 (VCV000660690.7).